The following is an entry in ClinVar:

NM_032776.3(JMJD1C):c.1399C>G (p.Gln467Glu)

Gene: JMJD1C (jumonji domain containing 1C; minus strand). Cytogenetic location: 10q21.3.
Variant type: single nucleotide variant.
Coding change: c.1399C>G on transcript NM_032776.3 (MANE Select); coding-DNA position 1399, C replaced by G.
Protein change: p.Gln467Glu; replaces glutamine 467 with glutamic acid.
Molecular consequence: missense variant. On other transcripts: non-coding transcript variant (1).
Genome position (GRCh38, 1-based): chr10:63,214,768, G>C on the plus strand (C>G on the coding strand, the complement: JMJD1C is on the minus strand). VCF-style: chr10-63214768-G-C. GRCh37 (hg19) VCF-style: chr10-64974528-G-C.
Other names: c.853C>G, p.Gln285Glu (NM_001282948.2, NM_001318154.2); c.535C>G, p.Gln179Glu (NM_001318153.2); c.1285C>G, p.Gln429Glu (NM_001322252.2); c.742C>G, p.Gln248Glu (NM_001322254.2, NM_001322258.2); short protein forms Q467E, Q248E, Q429E, Q179E, Q285E.
Identifiers: ClinVar variation 566313 (VCV000566313.8), dbSNP rs763576839, ClinGen allele CA5518810.

ClinVar aggregate classification (germline): Uncertain significance (1 of 4 stars; one submission).

Conditions:
Early Myoclonic Encephalopathy. Identifiers: MedGen C0270855.

Allele frequency attached by ClinVar (database versions not stated): gnomAD exomes below 0.00001; ExAC 0.00001.
gnomAD v4.1: 1 of 1,613,214 alleles (0.000062%); highest among the groups gnomAD compares: South Asian, 0.0011%; no homozygotes.

Submission:

Labcorp Genetics (formerly Invitae), Labcorp
Classification: Uncertain significance for Early Myoclonic Encephalopathy. Last evaluated: 2018-02-26. Review status: criteria provided, single submitter. Criteria: Invitae Variant Classification Sherloc (09022015). Collection method: clinical testing. Allele origin: germline.
Comment: In summary, the available evidence is currently insufficient to determine the role of this variant in disease. Therefore, it has been classified as a Variant of Uncertain Significance. Algorithms developed to predict the effect of missense changes on protein structure and function output the following: SIFT: "Deleterious"; PolyPhen-2: "Benign"; Align-GVGD: "Class C0". The glutamic acid amino acid residue is found in multiple mammalian species, suggesting that this missense change does not adversely affect protein function. These predictions have not been confirmed by published functional studies and their clinical significance is uncertain. This variant has not been reported in the literature in individuals with JMJD1C-related disease. This variant is present in population databases (rs763576839, ExAC 0.006%). This sequence change replaces glutamine with glutamic acid at codon 467 of the JMJD1C protein (p.Gln467Glu). The glutamine residue is moderately conserved and there is a small physicochemical difference between glutamine and glutamic acid.